The following is an entry in ClinVar:

ClinVar aggregate classification (germline): Uncertain significance (1 of 4 stars; one submission).

Conditions:
Combined immunodeficiency with skin granulomas. Identifiers: Orphanet 157949, MedGen C2673536, MONDO:0009306, OMIM 233650.
Severe combined immunodeficiency, autosomal recessive, T cell-negative, B cell-negative, NK cell-positive. Also called: SCID, T CELL-NEGATIVE, B CELL-NEGATIVE, NK CELL-POSITIVE; SCID, AR, T-cell negative, B-cell negative, NK cell-positive; Severe combined immunodeficiency due to complete RAG1/2 deficiency. Identifiers: Orphanet 331206, MedGen C1832322, MONDO:0011086, OMIM 601457.

Submission:

Labcorp Genetics (formerly Invitae), Labcorp
Classification: Uncertain significance for Combined cellular and humoral immune defects with granulomas; Severe immunodeficiency, autosomal recessive, T-cell negative, B-cell negative, NK cell-positive. Last evaluated: 2018-12-11. Review status: criteria provided, single submitter. Criteria: Invitae Variant Classification Sherloc (09022015). Collection method: clinical testing. Allele origin: germline.
Comment: This sequence change replaces leucine with phenylalanine at codon 714 of the RAG1 protein (p.Leu714Phe). The leucine residue is highly conserved and there is a small physicochemical difference between leucine and phenylalanine. This variant is not present in population databases (ExAC no frequency). This variant has not been reported in the literature in individuals with RAG1-related conditions. Algorithms developed to predict the effect of missense changes on protein structure and function are either unavailable or do not agree on the potential impact of this missense change (SIFT: "Deleterious"; PolyPhen-2: "Probably Damaging"; Align-GVGD: "Class C0"). In summary, the available evidence is currently insufficient to determine the role of this variant in disease. Therefore, it has been classified as a Variant of Uncertain Significance.

NM_000448.3(RAG1):c.2140C>T (p.Leu714Phe)

Gene: RAG1 (recombination activating 1; plus strand). Cytogenetic location: 11p12.
Variant type: single nucleotide variant.
Coding change: c.2140C>T on transcript NM_000448.3 (MANE Select); coding-DNA position 2140, C replaced by T.
Protein change: p.Leu714Phe; replaces leucine 714 with phenylalanine.
Molecular consequence: missense variant.
Genome position (GRCh38, 1-based): chr11:36,575,444, C>T. VCF-style: chr11-36575444-C-T. GRCh37 (hg19) VCF-style: chr11-36596994-C-T.
Other names: c.2140C>T, p.Leu714Phe (NM_001377277.1, NM_001377278.1, NM_001377279.1 and 1 more transcripts); short protein forms L714F.
Identifiers: ClinVar variation 652982 (VCV000652982.1), dbSNP rs1590703656, ClinGen allele CA380154088.